The following is an entry in ClinVar:

ClinVar aggregate classification (germline): Uncertain significance (1 of 4 stars; one submission).

Submission:

GeneDx
Classification: Uncertain significance. Last evaluated: 2023-07-21. Review status: criteria provided, single submitter. Criteria: GeneDx Variant Classification Process June 2021. Collection method: clinical testing. Allele origin: germline. Affected: yes.
Comment: Not observed at significant frequency in large population cohorts (gnomAD); In silico analysis supports that this missense variant has a deleterious effect on protein structure/function; Has not been previously published as pathogenic or benign to our knowledge

NM_006521.6(TFE3):c.617C>T (p.Thr206Ile)

Gene: TFE3 (transcription factor binding to IGHM enhancer 3; minus strand). Cytogenetic location: Xp11.23.
Variant type: single nucleotide variant.
Coding change: c.617C>T on transcript NM_006521.6 (MANE Select); coding-DNA position 617, C replaced by T.
Protein change: p.Thr206Ile; replaces threonine 206 with isoleucine.
Molecular consequence: missense variant.
Genome position (GRCh38, 1-based): chrX:49,038,360, G>A on the plus strand (C>T on the coding strand, the complement: TFE3 is on the minus strand). VCF-style: chrX-49038360-G-A. GRCh37 (hg19) VCF-style: chrX-48895885-G-A.
Other names: c.302C>T, p.Thr101Ile (NM_001282142.2); short protein forms T101I, T206I.
Identifiers: ClinVar variation 3361197 (VCV003361197.1).